The following is an entry in ClinVar:

NM_016604.4(KDM3B):c.5199A>T (p.Lys1733Asn)

Gene: KDM3B (lysine demethylase 3B; plus strand). Cytogenetic location: 5q31.2.
Variant type: single nucleotide variant.
Coding change: c.5199A>T on transcript NM_016604.4 (MANE Select); coding-DNA position 5199, A replaced by T.
Protein change: p.Lys1733Asn; replaces lysine 1733 with asparagine.
Molecular consequence: missense variant.
Genome position (GRCh38, 1-based): chr5:138,431,553, A>T. VCF-style: chr5-138431553-A-T. GRCh37 (hg19) VCF-style: chr5-137767242-A-T.
Other names: short protein forms K1733N.
Identifiers: ClinVar variation 4527762 (VCV004527762.2).
Genomic context (GRCh38, chr5:138,431,553, plus strand): 5'-TTTCCGCCTGACTCAGGAATTCAGGCATCTCTCTAACACTCATACAAATCATGAGGATAA[A>T]CTGCAGGTAAATAACTCCTCCCTCTACCCCACTCTGTCTTCTCATTGCATACTCACATAC-3'
Protein context (NP_057688.3, residues 1723-1743): LSNTHTNHED[Lys1733Asn]LQVKNIIYHA

ClinVar aggregate classification (germline): Uncertain significance. Review status: criteria provided, multiple submitters, no conflicts (2 of 4 stars). 2 submissions from 2 submitters: Uncertain significance (2). Last evaluated 2025-04-28.

Submissions (2):

GeneDx
Classification: Uncertain significance. Last evaluated: 2025-04-28. Review status: criteria provided, single submitter. Criteria: GeneDx Variant Classification Process June 2021. Collection method: clinical testing. Allele origin: germline. Affected: yes.
Comment: Not observed at significant frequency in large population cohorts (gnomAD); In silico analysis supports that this missense variant has a deleterious effect on protein structure/function; Has not been previously published as pathogenic or benign to our knowledge

Greenwood Genetic Center Diagnostic Laboratories, Greenwood Genetic Center
Classification: Uncertain significance. Last evaluated: 2025-01-06. Review status: criteria provided, single submitter. Criteria: ACMG Guidelines, 2015. Collection method: clinical testing. Allele origin: germline.
Comment: PM2, PP2, PP3